The following is an entry in ClinVar:

ClinVar aggregate classification (germline): Likely pathogenic (1 of 4 stars; one submission).

Conditions:
Early onset severe obesity. Identifiers: MedGen C4013980.

Submission:

Cambridge Genomics Laboratory, East Genomic Laboratory Hub, NHS Genomic Medicine Service
Classification: Likely pathogenic for Severe early-onset obesity. Last evaluated: 2025-06-20. Review status: criteria provided, single submitter. Criteria: ACGS Best Practice Guidelines for Variant Classification in Rare Disease 2020. Collection method: clinical testing. Allele origin: germline. Affected: yes.
Comment: PVS1_Strong,PM2

NM_005912.3(MC4R):c.435_442del (p.Asp146fs)

Gene: MC4R (melanocortin 4 receptor; minus strand). Cytogenetic location: 18q21.32.
Variant type: Deletion.
Coding change: c.435_442del on transcript NM_005912.3 (MANE Select); coding-DNA positions 435 to 442, 8 bases deleted (GGACAGGT; older notation c.435_442delGGACAGGT).
Protein change: p.Asp146fs; shifts the reading frame from aspartic acid 146.
Molecular consequence: frameshift variant.
Genome position (GRCh38, 1-based): chr18:60,371,908-60,371,915, ACCTGTCC deleted on the plus strand (GGACAGGT on the coding strand, the reverse complement: MC4R is on the minus strand); deleting any 8 consecutive bases within chr18:60,371,908-60,371,917 gives the same sequence; the c. name uses the placement nearest the transcript's 3' end. VCF-style (leftmost placement, unchanged base first): chr18-60371907-TACCTGTCC-T. GRCh37 (hg19) VCF-style: chr18-58039140-TACCTGTCC-T.
Other names: short protein forms D146fs.
Identifiers: ClinVar variation 4683173 (VCV004683173.1).
Genomic context (GRCh38, chr18:60,371,907, plus strand): 5'-ATCCCAACCCGCTTAACTGTCATAATGTTATGGTACTGGAGAGCATAGAAGATAGTAAAG[TACCTGTCC>T]ACTGCAATTGAAAGCAGGCTGCAAATGGATGCAAGCAAGGAGCTACAGATCACCGAGTCA-3'